The following is an entry in ClinVar:

ClinVar aggregate classification (germline): Benign/Likely benign. Review status: criteria provided, multiple submitters, no conflicts (2 of 4 stars). 9 submissions from 9 submitters: Benign (6); Likely benign (1). 2 of the submissions do not count toward it. Last evaluated 2026-05-08.

Conditions:
Metaphyseal chondrodysplasia, Schmid type (MCDS). Also called: SPONDYLOMETAPHYSEAL DYSPLASIA, JAPANESE TYPE. Identifiers: Orphanet 174, MedGen C0265289, MONDO:0007983, OMIM 156500.

Allele frequency attached by ClinVar (database versions not stated): TOPMed 0.47284; gnomAD 0.47609 and 0.46747; ExAC 0.38046; 1000 Genomes Project 0.44549; 1000 Genomes Project 30x 0.45237; gnomAD exomes 0.36963; ESP Exome Variant Server 0.49731.
gnomAD v4.1: 641,755 of 1,613,516 alleles (40%); highest among the groups gnomAD compares: African/African-American, 72%; 133,812 homozygotes.

Submissions (9):

Women's Health and Genetics/Laboratory Corporation of America, LabCorp
Classification: Likely benign. Last evaluated: 2026-05-08. Review status: criteria provided, single submitter. Criteria: LabCorp Variant Classification Summary - May 2015. Collection method: clinical testing. Allele origin: germline.

Labcorp Genetics (formerly Invitae), Labcorp
Classification: Benign. Last evaluated: 2026-02-04. Review status: criteria provided, single submitter. Criteria: Invitae Variant Classification Sherloc (09022015). Collection method: clinical testing. Allele origin: germline.

Genome-Nilou Lab
Classification: Benign for Metaphyseal chondrodysplasia, Schmid type. Last evaluated: 2021-07-22. Review status: criteria provided, single submitter. Criteria: ACMG Guidelines, 2015. Collection method: clinical testing. Allele origin: germline. Affected: no.

Mendelics
Classification: Benign for Metaphyseal chondrodysplasia, Schmid type. Last evaluated: 2019-05-28. Review status: criteria provided, single submitter. Criteria: Mendelics Assertion Criteria 2017. Collection method: clinical testing. Allele origin: unknown.

GeneDx
Classification: Benign. Last evaluated: 2018-10-16. Review status: criteria provided, single submitter. Criteria: GeneDx Variant Classification Process June 2021. Collection method: clinical testing. Allele origin: germline. Affected: yes.

Illumina Laboratory Services, Illumina
Classification: Benign for Metaphyseal chondrodysplasia, Schmid type. Last evaluated: 2018-01-12. Review status: criteria provided, single submitter. Criteria: ICSL Variant Classification Criteria 13 December 2019. Collection method: clinical testing. Allele origin: germline.
Comment: This variant was observed in the ICSL laboratory as part of a predisposition screen in an ostensibly healthy population. It had not been previously curated by ICSL or reported in the Human Gene Mutation Database (HGMD: prior to June 1st, 2018), and was therefore a candidate for classification through an automated scoring system. Utilizing variant allele frequency, disease prevalence and penetrance estimates, and inheritance mode, an automated score was calculated to assess if this variant is too frequent to cause the disease. Based on the score and internal cut-off values, a variant classified as benign is not then subjected to further curation. The score for this variant resulted in a classification of benign for this disease.

PreventionGenetics, part of Exact Sciences
Classification: Benign. Review status: criteria provided, single submitter. Criteria: ACMG Guidelines, 2015. Collection method: clinical testing. Allele origin: germline.

Diagnostic Laboratory, Department of Genetics, University Medical Center Groningen
Classification: Benign. Review status: no assertion criteria provided. Collection method: clinical testing. Allele origin: germline. Affected: yes. Study: VKGL Data-share Consensus. Not counted in ClinVar's aggregate classification.

Joint Genome Diagnostic Labs from Nijmegen and Maastricht, Radboudumc and MUMC+
Classification: Benign. Review status: no assertion criteria provided. Collection method: clinical testing. Allele origin: germline. Affected: yes. Study: VKGL Data-share Consensus. Not counted in ClinVar's aggregate classification.

NM_000493.4(COL10A1):c.80T>C (p.Met27Thr)

Genes: COL10A1 (collagen type X alpha 1 chain; minus strand), NT5DC1 (5'-nucleotidase domain containing 1; plus strand). Cytogenetic location: 6q22.1.
Variant type: single nucleotide variant.
Coding change: c.80T>C on transcript NM_000493.4 (MANE Select); coding-DNA position 80, T replaced by C.
Protein change: p.Met27Thr; replaces methionine 27 with threonine.
Molecular consequence: missense variant. On other transcripts: intron variant (1).
Genome position (GRCh38, 1-based): chr6:116,125,413, A>G on the plus strand (T>C on the coding strand, the complement: COL10A1 is on the minus strand). VCF-style: chr6-116125413-A-G. GRCh37 (hg19) VCF-style: chr6-116446576-A-G.
Other names: c.80T>C, p.Met27Thr (NM_001424106.1, NM_001424107.1); c.529+7468A>G (NM_152729.3); short protein forms M27T.
Identifiers: ClinVar variation 256262 (VCV000256262.24), dbSNP rs1064583, ClinGen allele CA3968505.
Genomic context (GRCh38, chr6:116,125,413, plus strand): 5'-GTGTAGGGAATGAAGAACTGTGTCTTGGTGTTGGGTAGTGGGCCTTTTATGCCTGTGGGC[A>G]TTTGGTATCGTTCAGCGTAAAACACTCCATGAACCAAGTTCAAGGATACTAGCAGCAAAA-3'
Protein context (NP_000484.2, residues 17-37): HGVFYAERYQ[Met27Thr]PTGIKGPLPN